The following is an entry in ClinVar:

NM_014915.3(ANKRD26):c.4577T>C (p.Met1526Thr)

Gene: ANKRD26 (ankyrin repeat domain containing 26; minus strand). Cytogenetic location: 10p12.1.
Variant type: single nucleotide variant.
Coding change: c.4577T>C on transcript NM_014915.3 (MANE Select); coding-DNA position 4577, T replaced by C.
Protein change: p.Met1526Thr; replaces methionine 1526 with threonine.
Molecular consequence: missense variant.
Genome position (GRCh38, 1-based): chr10:27,014,641, A>G on the plus strand (T>C on the coding strand, the complement: ANKRD26 is on the minus strand). VCF-style: chr10-27014641-A-G. GRCh37 (hg19) VCF-style: chr10-27303570-A-G.
Other names: c.4574T>C, p.Met1525Thr (NM_001256053.2); short protein forms M1525T, M1526T.
Identifiers: ClinVar variation 1706832 (VCV001706832.4), dbSNP rs1028372244, ClinGen allele CA204434156.

ClinVar aggregate classification (germline): Uncertain significance. Review status: criteria provided, multiple submitters, no conflicts (2 of 4 stars). 2 submissions from 2 submitters: Uncertain significance (2). Last evaluated 2024-12-20.

Conditions:
Inborn genetic diseases. Identifiers: MedGen C0950123, MeSH D030342.

Allele frequency attached by ClinVar (database versions not stated): gnomAD 0.00001; TOPMed 0.00001; gnomAD exomes 0.00003.

Submissions (2):

Ambry Genetics
Classification: Uncertain significance for Inborn genetic diseases. Last evaluated: 2024-12-20. Review status: criteria provided, single submitter. Criteria: Ambry Variant Classification Scheme 2023. Collection method: clinical testing. Allele origin: germline.
Comment: The p.M1526T variant (also known as c.4577T>C), located in coding exon 31 of the ANKRD26 gene, results from a T to C substitution at nucleotide position 4577. The methionine at codon 1526 is replaced by threonine, an amino acid with similar properties. This amino acid position is conserved. In addition, this alteration is predicted to be tolerated by in silico analysis. Based on the available evidence, the clinical significance of this variant remains unclear.

GeneDx
Classification: Uncertain significance. Last evaluated: 2024-01-31. Review status: criteria provided, single submitter. Criteria: GeneDx Variant Classification Process June 2021. Collection method: clinical testing. Allele origin: germline. Affected: yes.
Comment: Not observed at significant frequency in large population cohorts (gnomAD); In silico analysis supports that this missense variant has a deleterious effect on protein structure/function; Has not been previously published as pathogenic or benign to our knowledge